The following is an entry in ClinVar:

NM_004320.6(ATP2A1):c.92G>A (p.Arg31Gln)

Gene: ATP2A1 (ATPase sarcoplasmic/endoplasmic reticulum Ca2+ transporting 1; plus strand). Cytogenetic location: 16p11.2.
Variant type: single nucleotide variant.
Coding change: c.92G>A on transcript NM_004320.6 (MANE Select); coding-DNA position 92, G replaced by A.
Protein change: p.Arg31Gln; replaces arginine 31 with glutamine.
Molecular consequence: missense variant.
Genome position (GRCh38, 1-based): chr16:28,878,763, G>A. VCF-style: chr16-28878763-G-A. GRCh37 (hg19) VCF-style: chr16-28890084-G-A.
Other names: c.92G>A, p.Arg31Gln (NM_173201.5); short protein forms R31Q.
Identifiers: ClinVar variation 1427259 (VCV001427259.8), dbSNP rs1596658318, ClinGen allele CA395399568.

ClinVar aggregate classification (germline): Uncertain significance (1 of 4 stars; one submission).

Conditions:
Brody myopathy. Also called: BRODY DISEASE. Identifiers: Orphanet 53347, MedGen C1832918, MONDO:0010977, OMIM 601003.

Allele frequency attached by ClinVar (database versions not stated): gnomAD exomes below 0.00001.
gnomAD v4.1: 6 of 1,613,952 alleles (0.00037%); highest among the groups gnomAD compares: South Asian, 0.0011%; no homozygotes.

Submission:

Labcorp Genetics (formerly Invitae), Labcorp
Classification: Uncertain significance for Brody myopathy. Last evaluated: 2022-10-25. Review status: criteria provided, single submitter. Criteria: Invitae Variant Classification Sherloc (09022015). Collection method: clinical testing. Allele origin: germline.
Comment: In summary, the available evidence is currently insufficient to determine the role of this variant in disease. Therefore, it has been classified as a Variant of Uncertain Significance. This sequence change replaces arginine, which is basic and polar, with glutamine, which is neutral and polar, at codon 31 of the ATP2A1 protein (p.Arg31Gln). This variant is not present in population databases (gnomAD no frequency). This variant has not been reported in the literature in individuals affected with ATP2A1-related conditions. ClinVar contains an entry for this variant (Variation ID: 1427259). Algorithms developed to predict the effect of missense changes on protein structure and function (SIFT, PolyPhen-2, Align-GVGD) all suggest that this variant is likely to be tolerated.